The following is an entry in ClinVar:

NM_000179.3(MSH6):c.3468G>A (p.Met1156Ile)

Gene: MSH6 (mutS homolog 6; plus strand). Cytogenetic location: 2p16.3.
Variant type: single nucleotide variant.
Coding change: c.3468G>A on transcript NM_000179.3 (MANE Select); coding-DNA position 3468, G replaced by A.
Protein change: p.Met1156Ile; replaces methionine 1156 with isoleucine.
Molecular consequence: missense variant.
Genome position (GRCh38, 1-based): chr2:47,804,939, G>A. VCF-style: chr2-47804939-G-A. GRCh37 (hg19) VCF-style: chr2-48032078-G-A.
Other names: c.3078G>A, p.Met1026Ile (NM_001281492.2); c.2562G>A, p.Met854Ile (NM_001281493.2, NM_001281494.2); short protein forms M1156I, M1026I, M854I.
Identifiers: ClinVar variation 231144 (VCV000231144.14), dbSNP rs876658980, ClinGen allele CA10578146.

ClinVar aggregate classification (germline): Uncertain significance. Review status: criteria provided, multiple submitters, no conflicts (2 of 4 stars). 2 submissions from 2 submitters: Uncertain significance (2). Last evaluated 2025-03-24.

Conditions:
Hereditary cancer-predisposing syndrome. Also called: Neoplastic Syndromes, Hereditary; Tumor predisposition; Hereditary Cancer Syndrome; Hereditary neoplastic syndrome. Identifiers: Orphanet 140162, MedGen C0027672, MeSH D009386, MONDO:0015356.
Hereditary nonpolyposis colorectal neoplasms. Identifiers: MedGen C0009405, MeSH D003123.

Submissions (2):

Ambry Genetics
Classification: Uncertain significance for Hereditary cancer-predisposing syndrome. Last evaluated: 2025-03-24. Review status: criteria provided, single submitter. Criteria: Ambry Variant Classification Scheme 2023. Collection method: clinical testing. Allele origin: germline.
Comment: The p.M1156I variant (also known as c.3468G>A), located in coding exon 6 of the MSH6 gene, results from a G to A substitution at nucleotide position 3468. The methionine at codon 1156 is replaced by isoleucine, an amino acid with highly similar properties. This amino acid position is not well conserved in available vertebrate species. In addition, the in silico prediction for this alteration is inconclusive. In addition, the CoDP in silico tool predicts this alteration to have minor impact on molecular function, with a score of 0.007 (Terui H et al. J. Biomed. Sci. 2013 Apr;20:25). Since supporting evidence is limited at this time, the clinical significance of this alteration remains unclear.

Labcorp Genetics (formerly Invitae), Labcorp
Classification: Uncertain significance for Hereditary nonpolyposis colorectal neoplasms. Last evaluated: 2021-09-12. Review status: criteria provided, single submitter. Criteria: Invitae Variant Classification Sherloc (09022015). Collection method: clinical testing. Allele origin: germline.
Comment: Algorithms developed to predict the effect of missense changes on protein structure and function are either unavailable or do not agree on the potential impact of this missense change (SIFT: "Deleterious"; PolyPhen-2: "Benign"; Align-GVGD: "Class C0"). In summary, the available evidence is currently insufficient to determine the role of this variant in disease. Therefore, it has been classified as a Variant of Uncertain Significance. ClinVar contains an entry for this variant (Variation ID: 231144). This variant has not been reported in the literature in individuals affected with MSH6-related conditions. This variant is not present in population databases (ExAC no frequency). This sequence change replaces methionine with isoleucine at codon 1156 of the MSH6 protein (p.Met1156Ile). The methionine residue is weakly conserved and there is a small physicochemical difference between methionine and isoleucine.